The following is an entry in ClinVar:

ClinVar aggregate classification (germline): Uncertain significance (1 of 4 stars; one submission).

Submission:

Ambry Genetics
Classification: Uncertain significance. Last evaluated: 2025-07-12. Review status: criteria provided, single submitter. Criteria: Ambry Variant Classification Scheme 2023. Collection method: clinical testing. Allele origin: germline.
Comment: The p.M66I variant (also known as c.198G>C), located in coding exon 2 of the GEN1 gene, results from a G to C substitution at nucleotide position 198. The methionine at codon 66 is replaced by isoleucine, an amino acid with highly similar properties. This amino acid position is conserved. In addition, the in silico prediction for this alteration is inconclusive. Based on the available evidence, the clinical significance of this variant remains unclear.

NM_001130009.3(GEN1):c.198G>C (p.Met66Ile)

Gene: GEN1 (GEN1 Holliday junction 5' flap endonuclease; plus strand). Cytogenetic location: 2p24.2.
Variant type: single nucleotide variant.
Coding change: c.198G>C on transcript NM_001130009.3 (MANE Select); coding-DNA position 198, G replaced by C.
Protein change: p.Met66Ile; replaces methionine 66 with isoleucine.
Molecular consequence: missense variant.
Genome position (GRCh38, 1-based): chr2:17,761,432, G>C. VCF-style: chr2-17761432-G-C. GRCh37 (hg19) VCF-style: chr2-17942699-G-C.
Other names: c.198G>C, p.Met66Ile (NM_182625.5); short protein forms M66I.
Identifiers: ClinVar variation 4263021 (VCV004263021.1).